The following is an entry in ClinVar:

NM_006096.4(NDRG1):c.756-19G>C

Genes: NDRG1 (N-myc downstream regulated 1; minus strand), LOC126860531 (CDK7 strongly-dependent group 2 enhancer GRCh37_chr8:134259869-134261068; plus strand). Cytogenetic location: 8q24.22.
Variant type: single nucleotide variant.
Coding change: c.756-19G>C on transcript NM_006096.4 (MANE Select); 19 bases into the intron before coding-DNA position 756, G replaced by C.
Molecular consequence: intron variant.
Genome position (GRCh38, 1-based): chr8:133,247,945, C>G on the plus strand (G>C on the coding strand, the complement: NDRG1 is on the minus strand). VCF-style: chr8-133247945-C-G. GRCh37 (hg19) VCF-style: chr8-134260188-C-G.
Other names: c.558-19G>C (NM_001258432.2, NM_001374847.1); c.513-19G>C (NM_001258433.2); c.807-19G>C (NM_001374844.1); c.756-19G>C (NM_001135242.2, NM_001374845.1, NM_001374846.1).
Identifiers: ClinVar variation 4853479 (VCV004853479.1).

ClinVar aggregate classification (germline): Likely benign (1 of 4 stars; one submission).

Submission:

Women's Health and Genetics/Laboratory Corporation of America, LabCorp
Classification: Likely benign. Last evaluated: 2026-05-07. Review status: criteria provided, single submitter. Criteria: LabCorp Variant Classification Summary - May 2015. Collection method: clinical testing. Allele origin: germline.
Comment: Variant summary: NDRG1 c.756-19G>C alters a non-conserved nucleotide located at a position not widely known to affect splicing. Consensus agreement among computation tools predict no significant impact on normal splicing. However, these predictions have yet to be confirmed by functional studies. The variant was absent in 251486 control chromosomes. The available data on variant occurrences in the general population are insufficient to allow any conclusion about variant significance. To our knowledge, no occurrence of c.756-19G>C in individuals affected with NDRG1-related conditions and no experimental evidence demonstrating its impact on protein function have been reported. No submitters have cited clinical-significance assessments for this variant to ClinVar. Based on the evidence outlined above, the variant was classified as likely benign.